The following is an entry in ClinVar:

ClinVar aggregate classification (germline): Uncertain significance (1 of 4 stars; one submission).

Conditions:
Primary ciliary dyskinesia. Also called: Ciliary dyskinesia. Identifiers: Orphanet 244, MedGen C0008780, MONDO:0016575, HP:0012265.

Submission:

Labcorp Genetics (formerly Invitae), Labcorp
Classification: Uncertain significance for Primary ciliary dyskinesia. Last evaluated: 2023-05-15. Review status: criteria provided, single submitter. Criteria: Invitae Variant Classification Sherloc (09022015). Collection method: clinical testing. Allele origin: germline.
Comment: In summary, the available evidence is currently insufficient to determine the role of this variant in disease. Therefore, it has been classified as a Variant of Uncertain Significance. Advanced modeling of protein sequence and biophysical properties (such as structural, functional, and spatial information, amino acid conservation, physicochemical variation, residue mobility, and thermodynamic stability) has been performed at Invitae for this missense variant, however the output from this modeling did not meet the statistical confidence thresholds required to predict the impact of this variant on RPGR protein function. This variant has not been reported in the literature in individuals affected with RPGR-related conditions. This variant is not present in population databases (gnomAD no frequency). This sequence change replaces valine, which is neutral and non-polar, with glutamic acid, which is acidic and polar, at codon 14 of the RPGR protein (p.Val14Glu).

NM_001034853.2(RPGR):c.41T>A (p.Val14Glu)

Gene: RPGR (retinitis pigmentosa GTPase regulator; minus strand). Cytogenetic location: Xp11.4.
Variant type: single nucleotide variant.
Coding change: c.41T>A on transcript NM_001034853.2 (MANE Select); coding-DNA position 41, T replaced by A.
Protein change: p.Val14Glu; replaces valine 14 with glutamic acid.
Molecular consequence: missense variant. On other transcripts: non-coding transcript variant (6).
Genome position (GRCh38, 1-based): chrX:38,323,512, A>T on the plus strand (T>A on the coding strand, the complement: RPGR is on the minus strand). VCF-style: chrX-38323512-A-T. GRCh37 (hg19) VCF-style: chrX-38182765-A-T.
Other names: c.41T>A, p.Val14Glu (NM_000328.3, NM_001367245.1, NM_001367246.1 and 4 more transcripts); c.71T>A, p.Val24Glu (NM_001367248.1); short protein forms V14E, V24E.
Identifiers: ClinVar variation 2877904 (VCV002877904.3), dbSNP rs2519912779, ClinGen allele CA412746159.